The following is an entry in ClinVar:

ClinVar aggregate classification (germline): Likely benign. Review status: criteria provided, multiple submitters, no conflicts (2 of 4 stars). 5 submissions from 5 submitters: Likely benign (4). 1 of the submissions does not count toward it. Last evaluated 2025-12-10.

Conditions:
Hereditary cancer-predisposing syndrome. Also called: Neoplastic Syndromes, Hereditary; Tumor predisposition; Hereditary neoplastic syndrome; Hereditary Cancer Syndrome. Identifiers: Orphanet 140162, MedGen C0027672, MeSH D009386, MONDO:0015356.
Hereditary breast ovarian cancer syndrome. Also called: Hereditary breast and ovarian cancer syndrome; Hereditary breast and ovarian cancer; Hereditary breast and ovarian cancer syndrome (HBOC); Breast and ovarian cancer; Hereditary breast and/or ovarian cancer syndrome; BRCA1- and BRCA2-Associated Hereditary Breast and Ovarian Cancer. Identifiers: Orphanet 145, MedGen C0677776, MeSH D061325, MONDO:0003582. Disease mechanism: loss of function.
Breast-ovarian cancer, familial, susceptibility to, 2 (BROVCA2). Also called: BRCA2 Hereditary Breast and Ovarian Cancer. Identifiers: Orphanet 145, MedGen C2675520, MONDO:0012933, OMIM 612555. Disease mechanism: loss of function.

Allele frequency attached by ClinVar (database versions not stated): gnomAD exomes below 0.00001.
gnomAD v4.1: 1 of 1,614,024 alleles (0.000062%); highest among the groups gnomAD compares: Non-Finnish European, 0.000085%; no homozygotes.

Submissions (5):

Labcorp Genetics (formerly Invitae), Labcorp
Classification: Likely benign for Hereditary breast ovarian cancer syndrome. Last evaluated: 2025-12-10. Review status: criteria provided, single submitter. Criteria: Invitae Variant Classification Sherloc (09022015). Collection method: clinical testing. Allele origin: germline.

Women's Health and Genetics/Laboratory Corporation of America, LabCorp
Classification: Likely benign. Last evaluated: 2024-12-11. Review status: criteria provided, single submitter. Criteria: LabCorp Variant Classification Summary - May 2015. Collection method: clinical testing. Allele origin: germline.

Color Diagnostics, LLC DBA Color Health
Classification: Likely benign for Hereditary cancer-predisposing syndrome. Last evaluated: 2018-05-17. Review status: criteria provided, single submitter. Criteria: ACMG Guidelines, 2015. Collection method: clinical testing. Allele origin: germline.

GeneDx
Classification: Likely benign. Last evaluated: 2016-09-12. Review status: criteria provided, single submitter. Criteria: GeneDx Variant Classification (06012015). Collection method: clinical testing. Allele origin: germline. Affected: yes.
Comment: This variant is considered likely benign or benign based on one or more of the following criteria: it is a conservative change, it occurs at a poorly conserved position in the protein, it is predicted to be benign by multiple in silico algorithms, and/or has population frequency not consistent with disease.

Breast Cancer Information Core (BIC) (BRCA2)
Classification: Uncertain significance for Breast-ovarian cancer, familial 2. Last evaluated: 2004-02-20. Review status: no assertion criteria provided. Collection method: clinical testing. Allele origin: germline. Affected: yes. Observed: 1 variant allele. Not counted in ClinVar's aggregate classification.

NM_000059.4(BRCA2):c.9118-14T>C

Gene: BRCA2 (BRCA2 DNA repair associated; plus strand). Cytogenetic location: 13q13.1.
Variant type: single nucleotide variant.
Coding change: c.9118-14T>C on transcript NM_000059.4 (MANE Select); 14 bases into the intron before coding-DNA position 9118, T replaced by C.
Molecular consequence: intron variant.
Genome position (GRCh38, 1-based): chr13:32,379,993, T>C. VCF-style: chr13-32379993-T-C. GRCh37 (hg19) VCF-style: chr13-32954130-T-C.
Other names: IVS23-14T>C.
Identifiers: ClinVar variation 52758 (VCV000052758.16), dbSNP rs81002815, ClinGen allele CA025995.
Genomic context (GRCh38, chr13:32,379,993, plus strand): 5'-ATTTTTCAGTTTTGATAAGTGCTTGTTAGTTTATGGAATCTCCATATGTTGAATTTTTGT[T>C]TTGTTTTCTGTAGGTTTCAGATGAAATTTTATTTCAGATTTACCAGCCACGGGAGCCCCT-3'